The following is an entry in ClinVar:

ClinVar aggregate classification (germline): Conflicting classifications of pathogenicity. Review status: criteria provided, conflicting classifications (1 of 4 stars). 3 submissions from 3 submitters: Uncertain significance (2); Likely benign (1). Last evaluated 2023-07-10.

Conditions:
Hereditary cancer-predisposing syndrome. Also called: Tumor predisposition; Hereditary neoplastic syndrome; Hereditary Cancer Syndrome; Neoplastic Syndromes, Hereditary. Identifiers: Orphanet 140162, MedGen C0027672, MeSH D009386, MONDO:0015356.
Hereditary breast ovarian cancer syndrome. Also called: Hereditary breast and/or ovarian cancer syndrome; Hereditary breast and ovarian cancer syndrome (HBOC); Breast and ovarian cancer; BRCA1- and BRCA2-Associated Hereditary Breast and Ovarian Cancer; Hereditary breast and ovarian cancer syndrome; Hereditary breast and ovarian cancer. Identifiers: Orphanet 145, MedGen C0677776, MeSH D061325, MONDO:0003582. Disease mechanism: loss of function.
Breast-ovarian cancer, familial, susceptibility to, 2 (BROVCA2). Also called: BRCA2 Hereditary Breast and Ovarian Cancer. Identifiers: Orphanet 145, MedGen C2675520, MONDO:0012933, OMIM 612555. Disease mechanism: loss of function.

Allele frequency attached by ClinVar (database versions not stated): gnomAD 0.00001.
gnomAD v4.1: 1 of 1,593,408 alleles (0.000063%); highest among the groups gnomAD compares: East Asian, 0.0022%; no homozygotes.

Submissions (3):

All of Us Research Program, National Institutes of Health
Classification: Uncertain significance for Breast-ovarian cancer, familial, susceptibility to, 2. Last evaluated: 2023-07-10. Review status: criteria provided, single submitter. Criteria: ACMG Guidelines, 2015. Collection method: clinical testing. Allele origin: germline. Inheritance: Autosomal dominant inheritance. Observed: 1 variant allele, 1 heterozygote.
Comment: This missense variant replaces leucine with phenylalanine at codon 1687 of the BRCA2 protein. Computational prediction suggests that this variant may not impact protein structure and function (internally defined REVEL score threshold <= 0.5, PMID: 27666373). To our knowledge, functional studies have not been reported for this variant. This variant has not been reported in individuals affected with BRCA2-related disorders in the literature. This variant has been identified in 1/31278 chromosomes in the general population by the Genome Aggregation Database (gnomAD). The available evidence is insufficient to determine the role of this variant in disease conclusively. Therefore, this variant is classified as a Variant of Uncertain Significance.

This study involves interpretation of variants in research participants for the purpose of population health screening. Participant phenotype was not available at the time of variant classification. Additional details can be found in publication PMID: 35346344, PMCID: PMC8962531

University of Washington Department of Laboratory Medicine, University of Washington
Classification: Likely benign for Hereditary cancer-predisposing syndrome. Last evaluated: 2023-03-23. Review status: criteria provided, single submitter. Criteria: Dines et al. (Genet Med. 2020). Collection method: curation. Allele origin: germline.
Comment: Missense variant in a coldspot region where missense variants are very unlikely to be pathogenic (PMID:31911673).

BRCA2 exon 11 coldspot. Reclassification based on statistical prior probability.

Labcorp Genetics (formerly Invitae), Labcorp
Classification: Uncertain significance for Hereditary breast ovarian cancer syndrome. Last evaluated: 2021-09-18. Review status: criteria provided, single submitter. Criteria: Invitae Variant Classification Sherloc (09022015). Collection method: clinical testing. Allele origin: germline.
Comment: Advanced modeling of protein sequence and biophysical properties (such as structural, functional, and spatial information, amino acid conservation, physicochemical variation, residue mobility, and thermodynamic stability) performed at Invitae indicates that this missense variant is not expected to disrupt BRCA2 protein function. In summary, the available evidence is currently insufficient to determine the role of this variant in disease. Therefore, it has been classified as a Variant of Uncertain Significance. This variant has not been reported in the literature in individuals affected with BRCA2-related conditions. This variant is not present in population databases (ExAC no frequency). This sequence change replaces leucine with phenylalanine at codon 1687 of the BRCA2 protein (p.Leu1687Phe). The leucine residue is moderately conserved and there is a small physicochemical difference between leucine and phenylalanine.

NM_000059.4(BRCA2):c.5059C>T (p.Leu1687Phe)

Gene: BRCA2 (BRCA2 DNA repair associated; plus strand). Cytogenetic location: 13q13.1.
Variant type: single nucleotide variant.
Coding change: c.5059C>T on transcript NM_000059.4 (MANE Select); coding-DNA position 5059, C replaced by T.
Protein change: p.Leu1687Phe; replaces leucine 1687 with phenylalanine.
Molecular consequence: missense variant.
Genome position (GRCh38, 1-based): chr13:32,339,414, C>T. VCF-style: chr13-32339414-C-T. GRCh37 (hg19) VCF-style: chr13-32913551-C-T.
Other names: short protein forms L1687F.
Identifiers: ClinVar variation 1448185 (VCV001448185.8), dbSNP rs1408726129, ClinGen allele CA387784037.